The following is an entry in ClinVar:

NM_019842.4(KCNQ5):c.1076G>A (p.Arg359His)

Gene: KCNQ5 (potassium voltage-gated channel subfamily Q member 5; plus strand). Cytogenetic location: 6q13.
Variant type: single nucleotide variant.
Coding change: c.1076G>A on transcript NM_019842.4 (MANE Select); coding-DNA position 1076, G replaced by A.
Protein change: p.Arg359His; replaces arginine 359 with histidine.
Molecular consequence: missense variant.
Genome position (GRCh38, 1-based): chr6:73,111,354, G>A. VCF-style: chr6-73111354-G-A. GRCh37 (hg19) VCF-style: chr6-73821077-G-A.
Other names: c.1076G>A, p.Arg359His (NM_001160130.2, NM_001160132.2, NM_001160133.2 and 1 more transcripts); short protein forms R359H.
Identifiers: ClinVar variation 1721189 (VCV001721189.7), dbSNP rs1775233922, ClinGen allele CA364826898.

ClinVar aggregate classification (germline): Conflicting classifications of pathogenicity. Review status: criteria provided, conflicting classifications (1 of 4 stars). 2 submissions from 2 submitters: Likely pathogenic (1); Uncertain significance (1). Last evaluated 2023-05-24.

Conditions:
Intellectual developmental disorder, autosomal dominant 46. Also called: Intellectual disability, autosomal dominant 46; MENTAL RETARDATION, AUTOSOMAL DOMINANT 46. Identifiers: MedGen C4539851, MONDO:0030911, OMIM 617601.

Submissions (2):

Institute of Human Genetics, University of Leipzig Medical Center
Classification: Likely pathogenic for Intellectual developmental disorder, autosomal dominant 46. Last evaluated: 2023-05-24. Review status: criteria provided, single submitter. Criteria: ACMG Guidelines, 2015. Collection method: clinical testing. Allele origin: unknown. Inheritance: Autosomal dominant inheritance. Affected: yes.
Comment: Criteria applied: PM1,PM5,PM2_SUP,PP3

Labcorp Genetics (formerly Invitae), Labcorp
Classification: Uncertain significance. Last evaluated: 2022-10-07. Review status: criteria provided, single submitter. Criteria: Invitae Variant Classification Sherloc (09022015). Collection method: clinical testing. Allele origin: germline.
Comment: This variant has not been reported in the literature in individuals affected with KCNQ5-related conditions. This variant is not present in population databases (gnomAD no frequency). This sequence change replaces arginine, which is basic and polar, with histidine, which is basic and polar, at codon 359 of the KCNQ5 protein (p.Arg359His). Advanced modeling of protein sequence and biophysical properties (such as structural, functional, and spatial information, amino acid conservation, physicochemical variation, residue mobility, and thermodynamic stability) performed at Invitae indicates that this missense variant is expected to disrupt KCNQ5 protein function. In summary, the available evidence is currently insufficient to determine the role of this variant in disease. Therefore, it has been classified as a Variant of Uncertain Significance.